The following is an entry in ClinVar:

NM_003673.4(TCAP):c.32C>T (p.Ser11Leu)

Gene: TCAP (titin-cap; plus strand). Cytogenetic location: 17q12.
Variant type: single nucleotide variant.
Coding change: c.32C>T on transcript NM_003673.4 (MANE Select); coding-DNA position 32, C replaced by T.
Protein change: p.Ser11Leu; replaces serine 11 with leucine.
Molecular consequence: missense variant.
Genome position (GRCh38, 1-based): chr17:39,665,391, C>T. VCF-style: chr17-39665391-C-T. GRCh37 (hg19) VCF-style: chr17-37821644-C-T.
Other names: p.S11L:TCG>TTG; short protein forms S11L.
Identifiers: ClinVar variation 177939 (VCV000177939.74), dbSNP rs45495192, ClinGen allele CA181033.

ClinVar aggregate classification (germline): Conflicting classifications of pathogenicity. Review status: criteria provided, conflicting classifications (1 of 4 stars). 16 submissions from 15 submitters: Uncertain significance (3); Likely benign (10). 3 of the submissions do not count toward it. Last evaluated 2026-01-25.

Conditions:
Cardiovascular phenotype. Identifiers: MedGen CN230736.
Primary familial hypertrophic cardiomyopathy (HCM). Identifiers: Orphanet 99739, MedGen C0949658, MeSH D024741, MONDO:0024573. Inheritance: Various modes of inheritance.
Hypertrophic cardiomyopathy 25 (CMH25). Also called: CARDIOMYOPATHY, FAMILIAL HYPERTROPHIC, 25. Identifiers: MedGen C4225408, MONDO:0011843, OMIM 607487.
Cardiomyopathy (CMYO). Also called: Cardiomyopathies. Identifiers: Orphanet 167848, MedGen C0878544, MONDO:0004994, HP:0001638. Inheritance: Various modes of inheritance.
Autosomal recessive limb-girdle muscular dystrophy type 2G (LGMDR7). Also called: Telethoninopathy; Limb-girdle muscular dystrophy, type 2G; MUSCULAR DYSTROPHY, LIMB-GIRDLE, AUTOSOMAL RECESSIVE 7. Identifiers: Orphanet 34514, MedGen C1866008, MONDO:0011170, OMIM 601954.

Allele frequency attached by ClinVar (database versions not stated): 1000 Genomes Project 0.00080; gnomAD 0.00105 and 0.00113; TOPMed 0.00117; ESP Exome Variant Server 0.00169.

Submissions (16):

Labcorp Genetics (formerly Invitae), Labcorp
Classification: Likely benign for Hypertrophic cardiomyopathy 25; Primary familial hypertrophic cardiomyopathy. Last evaluated: 2026-01-25. Review status: criteria provided, single submitter. Criteria: Invitae Variant Classification Sherloc (09022015). Collection method: clinical testing. Allele origin: germline.

Mayo Clinic Laboratories, Mayo Clinic
Classification: Likely benign. Last evaluated: 2024-10-23. Review status: criteria provided, single submitter. Criteria: ACMG Guidelines, 2015. Collection method: clinical testing. Allele origin: germline. Observed: 2 variant alleles.
Comment: BS1, BP4

Blueprint Genetics
Classification: Likely benign. Last evaluated: 2024-09-23. Review status: criteria provided, single submitter. Criteria: ACMG Guidelines, 2015. Collection method: clinical testing. Allele origin: germline.

Women's Health and Genetics/Laboratory Corporation of America, LabCorp
Classification: Likely benign. Last evaluated: 2023-08-26. Review status: criteria provided, single submitter. Criteria: LabCorp Variant Classification Summary - May 2015. Collection method: clinical testing. Allele origin: germline.

CeGaT Center for Human Genetics Tuebingen
Classification: Uncertain significance. Last evaluated: 2021-12-01. Review status: criteria provided, single submitter. Criteria: CeGaT Center For Human Genetics Tuebingen Variant Classification Criteria Version 2. Collection method: clinical testing. Allele origin: germline. Affected: yes. Observed: 1 variant allele.

Athena Diagnostics
Classification: Likely benign. Last evaluated: 2021-01-15. Review status: criteria provided, single submitter. Criteria: Athena Diagnostics criteria. Collection method: clinical testing. Allele origin: unknown.

GeneDx
Classification: Likely benign. Last evaluated: 2020-09-22. Review status: criteria provided, single submitter. Criteria: GeneDx Variant Classification Process June 2021. Collection method: clinical testing. Allele origin: germline. Affected: yes.
Comment: This variant is associated with the following publications: (PMID: 25351510, 24503780)

Ambry Genetics
Classification: Likely benign for Cardiovascular phenotype. Last evaluated: 2018-10-02. Review status: criteria provided, single submitter. Criteria: Ambry Variant Classification Scheme 2023. Collection method: clinical testing. Allele origin: germline.

Illumina Laboratory Services, Illumina
Classification: Uncertain significance for Cardiomyopathy, Dilated, 1N. Last evaluated: 2018-01-12. Review status: criteria provided, single submitter. Criteria: ICSL Variant Classification Criteria 13 December 2019. Collection method: clinical testing. Allele origin: germline.

Illumina Laboratory Services, Illumina
Classification: Uncertain significance for Autosomal recessive limb-girdle muscular dystrophy type 2G. Last evaluated: 2018-01-12. Review status: criteria provided, single submitter. Criteria: ICSL Variant Classification Criteria 13 December 2019. Collection method: clinical testing. Allele origin: germline.

CHEO Genetics Diagnostic Laboratory, Children's Hospital of Eastern Ontario
Classification: Likely benign for Cardiomyopathy. Last evaluated: 2016-10-11. Review status: criteria provided, single submitter. Criteria: ACMG Guidelines, 2015. Collection method: clinical testing. Allele origin: germline. Study: Canadian Open Genetics Repository.

Eurofins Ntd Llc (ga)
Classification: Likely benign. Last evaluated: 2015-09-10. Review status: criteria provided, single submitter. Criteria: EGL Classification Definitions 2015. Collection method: clinical testing. Allele origin: germline. Observed: 1 variant allele, 1 heterozygote.

Laboratory for Molecular Medicine, Mass General Brigham Personalized Medicine
Classification: Likely benign. Last evaluated: 2012-04-12. Review status: criteria provided, single submitter. Criteria: LMM Criteria. Collection method: clinical testing. Allele origin: germline. Observed: 1 variant allele.
Comment: proposed classification - variant undergoing re-assessment, contact laboratory

Clinical Genetics DNA and cytogenetics Diagnostics Lab, Erasmus MC, Erasmus Medical Center
Classification: Likely benign. Review status: no assertion criteria provided. Collection method: clinical testing. Allele origin: germline. Affected: yes. Study: VKGL Data-share Consensus. Not counted in ClinVar's aggregate classification.

Clinical Genetics, Academic Medical Center
Classification: Benign. Review status: no assertion criteria provided. Collection method: clinical testing. Allele origin: germline. Affected: yes. Study: VKGL Data-share Consensus. Not counted in ClinVar's aggregate classification.

Diagnostic Laboratory, Department of Genetics, University Medical Center Groningen
Classification: Likely benign. Review status: no assertion criteria provided. Collection method: clinical testing. Allele origin: germline. Affected: yes. Study: VKGL Data-share Consensus. Not counted in ClinVar's aggregate classification.